The following is an entry in ClinVar:

ClinVar aggregate classification (germline): Uncertain significance. Review status: criteria provided, single submitter (1 of 4 stars). 2 submissions from 2 submitters: Uncertain significance (1). 1 of the submissions does not count toward it. Last evaluated 2024-12-29.

Conditions:
KANK1-related disorder. Also called: KANK1-related condition.

gnomAD v4.1: 3 of 1,614,164 alleles (0.00019%); no homozygotes.

Submissions (2):

Ambry Genetics
Classification: Uncertain significance. Last evaluated: 2024-12-29. Review status: criteria provided, single submitter. Criteria: Ambry Variant Classification Scheme 2023. Collection method: clinical testing. Allele origin: germline.

PreventionGenetics, part of Exact Sciences
Classification: Uncertain significance for KANK1-related condition. Last evaluated: 2023-12-20. Review status: no assertion criteria provided. Collection method: clinical testing. Allele origin: germline. Not counted in ClinVar's aggregate classification.
Comment: The KANK1 c.2724G>C variant is predicted to result in the amino acid substitution p.Lys908Asn. To our knowledge, this variant has not been reported in the literature or in a large population database, indicating this variant is rare. At this time, the clinical significance of this variant is uncertain due to the absence of conclusive functional and genetic evidence.

NM_015158.5(KANK1):c.2724G>C (p.Lys908Asn)

Gene: KANK1 (KN motif and ankyrin repeat domains 1; plus strand). Cytogenetic location: 9p24.3.
Variant type: single nucleotide variant.
Coding change: c.2724G>C on transcript NM_015158.5 (MANE Select); coding-DNA position 2724, G replaced by C.
Protein change: p.Lys908Asn; replaces lysine 908 with asparagine.
Molecular consequence: missense variant. On other transcripts: non-coding transcript variant (1).
Genome position (GRCh38, 1-based): chr9:730,076, G>C. VCF-style: chr9-730076-G-C. GRCh37 (hg19) VCF-style: chr9-730076-G-C.
Other names: c.2724G>C (NM_015158.2); c.2724G>C, p.Lys908Asn (NM_001256876.3, NM_001256877.3, NM_001354331.2 and 2 more transcripts); c.2250G>C, p.Lys750Asn (NM_001354333.2, NM_001354335.2, NM_001354336.2 and 9 more transcripts); short protein forms K750N, K908N.
Identifiers: ClinVar variation 3060078 (VCV003060078.3), dbSNP rs2540335110, ClinGen allele CA372753546.
Genomic context (GRCh38, chr9:730,076, plus strand): 5'-CATCACACACTCTGTACCTTTCTTTTTCCTGATAGGCAATTATTTGGGATATACCTGTAA[G>C]TGTGGGGGCCTTCAGTCAGGAAGTCCCTTAAGCTCCCAGACATCCCAGCCTGAGCAAGAA-3'
Protein context (NP_055973.2, residues 898-918): ITGNYLGYTC[Lys908Asn]CGGLQSGSPL